The following is an entry in ClinVar:

ClinVar aggregate classification (germline): Benign (1 of 4 stars; one submission).

Submission:

GeneDx
Classification: Benign. Last evaluated: 2018-06-14. Review status: criteria provided, single submitter. Criteria: GeneDx Variant Classification (06012015). Collection method: clinical testing. Allele origin: germline. Affected: yes.
Comment: This variant is considered likely benign or benign based on one or more of the following criteria: it is a conservative change, it occurs at a poorly conserved position in the protein, it is predicted to be benign by multiple in silico algorithms, and/or has population frequency not consistent with disease.

NM_021100.5(NFS1):c.1136+252dup

Gene: NFS1 (NFS1 cysteine desulfurase; minus strand). Cytogenetic location: 20q11.22.
Variant type: Duplication.
Coding change: c.1136+252dup on transcript NM_021100.5 (MANE Select); 252 bases into the intron after coding-DNA position 1136, one base duplicated (G; older notation c.1136+252dupG).
Molecular consequence: intron variant.
Genome position (GRCh38, 1-based): chr20:35,674,096, C duplicated on the plus strand (G on the coding strand, the reverse complement: NFS1 is on the minus strand); the first of 3 consecutive C bases (chr20:35,674,096-35,674,098); duplicating any one gives the same sequence. VCF-style (leftmost placement, unchanged base first): chr20-35674095-A-AC. GRCh37 (hg19) VCF-style: chr20-34262017-A-AC.
Other names: c.983+252dup (NM_001198989.2).
Identifiers: ClinVar variation 671465 (VCV000671465.1), dbSNP rs3841689, ClinGen allele CA314192173.